The following is an entry in ClinVar:

ClinVar aggregate classification (germline): Uncertain significance (1 of 4 stars; one submission).

Conditions:
Autoimmune lymphoproliferative syndrome type 2A (ALPS2A). Also called: CASP10-Related Autoimmune Lymphoproliferative Syndrome; AUTOIMMUNE LYMPHOPROLIFERATIVE SYNDROME, TYPE IIA; Autoimmune lymphoproliferative syndrome type 2. Identifiers: Orphanet 3261, MedGen C1858968, MONDO:0011383, OMIM 603909.

Allele frequency attached by ClinVar (database versions not stated): gnomAD exomes below 0.00001; TOPMed 0.00001.
gnomAD v4.1: 1 of 1,614,090 alleles (0.000062%); highest among the groups gnomAD compares: Admixed American, 0.0017%; no homozygotes.

Submission:

Labcorp Genetics (formerly Invitae), Labcorp
Classification: Uncertain significance for Autoimmune lymphoproliferative syndrome type 2A. Last evaluated: 2024-06-24. Review status: criteria provided, single submitter. Criteria: Invitae Variant Classification Sherloc (09022015). Collection method: clinical testing. Allele origin: germline.
Comment: This sequence change replaces isoleucine, which is neutral and non-polar, with valine, which is neutral and non-polar, at codon 26 of the CASP10 protein (p.Ile26Val). This variant is present in population databases (no rsID available, gnomAD 0.003%). This variant has not been reported in the literature in individuals affected with CASP10-related conditions. Advanced modeling of protein sequence and biophysical properties (such as structural, functional, and spatial information, amino acid conservation, physicochemical variation, residue mobility, and thermodynamic stability) performed at Invitae indicates that this missense variant is not expected to disrupt CASP10 protein function with a negative predictive value of 80%. In summary, the available evidence is currently insufficient to determine the role of this variant in disease. Therefore, it has been classified as a Variant of Uncertain Significance.

NM_032977.4(CASP10):c.76A>G (p.Ile26Val)

Gene: CASP10 (caspase 10; plus strand). Cytogenetic location: 2q33.1.
Variant type: single nucleotide variant.
Coding change: c.76A>G on transcript NM_032977.4 (MANE Select); coding-DNA position 76, A replaced by G.
Protein change: p.Ile26Val; replaces isoleucine 26 with valine.
Molecular consequence: missense variant.
Genome position (GRCh38, 1-based): chr2:201,185,853, A>G. VCF-style: chr2-201185853-A-G. GRCh37 (hg19) VCF-style: chr2-202050576-A-G.
Other names: c.76A>G, p.Ile26Val (NM_001206524.2, NM_001206542.2, NM_001230.5 and 3 more transcripts); short protein forms I26V.
Identifiers: ClinVar variation 2933753 (VCV002933753.3), dbSNP rs1412206130, ClinGen allele CA350277525.